The following continues an entry in ClinVar:

NM_024675.4(PALB2):c.2386G>T (p.Gly796Ter)

Gene: PALB2. ClinVar aggregate classification (germline): Pathogenic/Likely pathogenic. Pathogenic (10); Likely pathogenic (2).

Submissions 12 to 14 of 14:

Cancer Genetics Laboratory, Peter MacCallum Cancer Centre
Classification: Likely pathogenic for Familial cancer of breast. Last evaluated: 2015-06-01. Review status: criteria provided, single submitter. Criteria: Thompson et al. (Breast Cancer Res. 2015). Collection method: case-control. Allele origin: germline. Affected: yes. Observed: 1 variant allele, 1 heterozygote.

Leiden Open Variation Database
Classification: Pathogenic for Familial cancer of breast. Last evaluated: 2019-05-13. Review status: no assertion criteria provided. Collection method: curation. Allele origin: germline. Affected: yes. Not counted in ClinVar's aggregate classification.
Comment: Curators: Marc Tischkowitz, Arleen D. Auerbach. Submitter to LOVD: Marc Tischkowitz.

Counsyl
Classification: Pathogenic for Familial cancer of breast. Last evaluated: 2016-04-20. Review status: no assertion criteria provided. Collection method: clinical testing. Allele origin: unknown. Not counted in ClinVar's aggregate classification.

Literature cited by the submitters: PubMed 17200668 (cited by 5 submitters); PubMed 17200671 (cited by Labcorp Genetics (formerly Invitae), Labcorp); PubMed 17200672 (cited by Labcorp Genetics (formerly Invitae), Labcorp); PubMed 24136930 (cited by Labcorp Genetics (formerly Invitae), Labcorp); PubMed 25099575 (cited by 6 submitters); PubMed 23935381 (cited by Labcorp Genetics (formerly Invitae), Labcorp); PubMed 24415441 (cited by 4 submitters); PubMed 24549055 (cited by 4 submitters); PubMed 29431189 (cited by Quest Diagnostics Nichols Institute San Juan Capistrano and Ambry Genetics); PubMed 28767289 (cited by 3 submitters); PubMed 28779002 (cited by Quest Diagnostics Nichols Institute San Juan Capistrano); PubMed 21285249 (cited by 4 submitters); PubMed 26786923 (cited by Quest Diagnostics Nichols Institute San Juan Capistrano and Color Diagnostics, LLC DBA Color Health); PubMed 26489409 (cited by 3 submitters); PubMed 26283626 (cited by Quest Diagnostics Nichols Institute San Juan Capistrano); PubMed 19763819 (cited by Quest Diagnostics Nichols Institute San Juan Capistrano); PubMed 33471991 (cited by Quest Diagnostics Nichols Institute San Juan Capistrano and Color Diagnostics, LLC DBA Color Health); PubMed 19264984 (cited by Leiden Open Variation Database); PubMed 20852946 (cited by Leiden Open Variation Database).